The following is an entry in ClinVar:

NM_000059.4(BRCA2):c.7668_7669insA (p.Ala2557fs)

Gene: BRCA2 (BRCA2 DNA repair associated; plus strand). Cytogenetic location: 13q13.1.
Variant type: Insertion.
Coding change: c.7668_7669insA on transcript NM_000059.4 (MANE Select); coding-DNA positions 7668 to 7669, A inserted.
Protein change: p.Ala2557fs; shifts the reading frame from alanine 2557.
Molecular consequence: frameshift variant.
Genome position: GRCh38 VCF-style: chr13-32357792-T-TA. GRCh37 (hg19) VCF-style: chr13-32931929-T-TA.
Other names: 7896insA; short protein forms A2557fs.
Identifiers: ClinVar variation 267031 (VCV000267031.3), dbSNP rs886040726, ClinGen allele CA10589446.

ClinVar aggregate classification (germline): Pathogenic (3 of 4 stars; one submission).

Conditions:
Breast-ovarian cancer, familial, susceptibility to, 2 (BROVCA2). Also called: BRCA2 Hereditary Breast and Ovarian Cancer. Identifiers: Orphanet 145, MedGen C2675520, MONDO:0012933, OMIM 612555. Disease mechanism: loss of function.

Submission:

Evidence-based Network for the Interpretation of Germline Mutant Alleles (ENIGMA)
Classification: Pathogenic for Breast-ovarian cancer, familial, susceptibility to, 2. Last evaluated: 2016-10-18. Review status: reviewed by expert panel. Criteria: ENIGMA BRCA1/2 Classification Criteria (2015). Collection method: curation. Allele origin: germline.
Comment: Variant allele predicted to encode a truncated non-functional protein.